The following is an entry in ClinVar:

NM_052872.4(IL17F):c.482A>G (p.His161Arg)

Gene: IL17F (interleukin 17F; minus strand). Cytogenetic location: 6p12.2.
Variant type: single nucleotide variant.
Coding change: c.482A>G on transcript NM_052872.4 (MANE Select); coding-DNA position 482, A replaced by G.
Protein change: p.His161Arg; replaces histidine 161 with arginine.
Molecular consequence: missense variant.
Genome position (GRCh38, 1-based): chr6:52,236,941, T>C on the plus strand (A>G on the coding strand, the complement: IL17F is on the minus strand). VCF-style: chr6-52236941-T-C. GRCh37 (hg19) VCF-style: chr6-52101739-T-C.
Other names: short protein forms H161R.
Identifiers: ClinVar variation 357466 (VCV000357466.17), dbSNP rs763780, ClinGen allele CA3854340.
Genomic context (GRCh38, chr6:52,236,941, plus strand): 5'-GTAAGGAGTGGCATTTCTACAGCTTCTTCAGCTGAGTGGATATGCACCTCTTACTGCACA[T>C]GGTGGATGACAGGGGTGACGCAGGTGCAGCCAACAGTCACCAGCACCTTCTCCAACTGGA-3'
Protein context (NP_443104.1, residues 151-163): GCTCVTPVIH[His161Arg]VQ

ClinVar aggregate classification (germline): Benign. Review status: criteria provided, multiple submitters, no conflicts (2 of 4 stars). 4 submissions from 4 submitters: Benign (4). Last evaluated 2026-02-04.

Conditions:
Candidiasis, familial, 6 (CANDF6). Also called: Candidiasis, familial, 6, autosomal dominant. Identifiers: Orphanet 1334, MedGen C3151405, MONDO:0013503, OMIM 613956.

Allele frequency attached by ClinVar (database versions not stated): gnomAD exomes 0.05449 and 0.06718; TOPMed 0.06125; ESP Exome Variant Server 0.06305; gnomAD 0.06547 and 0.06701; ExAC 0.06696; 1000 Genomes Project 30x 0.09275; 1000 Genomes Project 0.09345.

Submissions (4):

Labcorp Genetics (formerly Invitae), Labcorp
Classification: Benign for Candidiasis, familial, 6. Last evaluated: 2026-02-04. Review status: criteria provided, single submitter. Criteria: Invitae Variant Classification Sherloc (09022015). Collection method: clinical testing. Allele origin: germline.

Mayo Clinic Laboratories, Mayo Clinic
Classification: Benign. Last evaluated: 2023-11-13. Review status: criteria provided, single submitter. Criteria: ACMG Guidelines, 2015. Collection method: clinical testing. Allele origin: germline. Observed: 7 variant alleles.
Comment: BA1, BP4

GeneDx
Classification: Benign. Last evaluated: 2018-11-12. Review status: criteria provided, single submitter. Criteria: GeneDx Variant Classification Process June 2021. Collection method: clinical testing. Allele origin: germline. Affected: yes.
Comment: This variant is associated with the following publications: (PMID: 22812194, 24164796, 31616423, 31831764, 20620187, 24440568, 16630936, 20618772, 24829928, 22579472, 21615796)

Illumina Laboratory Services, Illumina
Classification: Benign for Candidiasis, familial, 6. Last evaluated: 2018-03-06. Review status: criteria provided, single submitter. Criteria: ICSL Variant Classification Criteria 13 December 2019. Collection method: clinical testing. Allele origin: germline.
Comment: This variant was observed in the ICSL laboratory as part of a predisposition screen in an ostensibly healthy population. It had not been previously curated by ICSL or reported in the Human Gene Mutation Database (HGMD: prior to June 1st, 2018), and was therefore a candidate for classification through an automated scoring system. Utilizing variant allele frequency, disease prevalence and penetrance estimates, and inheritance mode, an automated score was calculated to assess if this variant is too frequent to cause the disease. Based on the score and internal cut-off values, a variant classified as benign is not then subjected to further curation. The score for this variant resulted in a classification of benign for this disease.